The following is an entry in ClinVar:

ClinVar aggregate classification (germline): Uncertain significance. Review status: reviewed by expert panel (3 of 4 stars). 4 submissions from 4 submitters: Uncertain significance (1). 3 of the submissions do not count toward it. Last evaluated 2024-07-08.

Conditions:
Mitochondrial disease. Also called: Mitochondrial disorder; Mitochondrial disorders. Identifiers: Orphanet 68380, MedGen C0751651, MeSH D028361, MONDO:0044970.
Mitochondrial non-syndromic sensorineural hearing loss. Also called: Nonsyndromic Hearing Loss and Deafness, Mitochondrial. Identifiers: Orphanet 90641, MedGen C3151897, MONDO:0010779, OMIM 500008.
Mitochondrial complex IV deficiency, nuclear type 1 (MC4DN1). Also called: COX DEFICIENCY; Mitochondrial complex IV deficiency; Complex 4 mitochondrial respiratory chain deficiency; Deficiency of mitochondrial respiratory chain complex4; Complex IV deficiency. Identifiers: MedGen C5435656, MONDO:0700250, OMIM 220110. Disease mechanism: loss of function.
Paediatric disorders.

Submissions (4):

ClinGen Mitochondrial Disease Nuclear and Mitochondrial  Variant Curation Expert Panel, ClinGen
Classification: Uncertain significance for Mitochondrial disease. Last evaluated: 2024-07-08. Review status: reviewed by expert panel. Criteria: clingen mito disease acmg specifications v1-1. Collection method: curation. Allele origin: germline. Inheritance: Mitochondrial inheritance.
Comment: The m.7462C>T variant in MT-TS1 has been reported in three unrelated individuals with hearing loss (PS4_supporting, PMID: 20722495). Age of onset ranged from six to 26 years old. The variant was present at homoplasmy in all reported individuals. Testing was limited in their family members. There are no reported de novo occurrences. This variant is present in population databases (MITOMAP's 61,134 sequences: AF=0.008%; Helix's 195,983 sequences: AF=0.004%; and gnomAD v3.1.2: absent). MitoTIP suggests this variant is benign (11.2 percentile) and HmtVAR predicts it to be polymorphic (0.1) (BP4). There are no cybrids, single fiber studies, or other functional assays reported on this variant. In summary, this variant meets criteria to be classified as uncertain significance for primary mitochondrial disease inherited in a mitochondrial manner. This classification was approved by the NICHD/NINDS U24 ClinGen Mitochondrial Disease Variant Curation Expert Panel on July 8, 2024. Mitochondrial DNA-specific ACMG/AMP criteria applied (PMID: 32906214): PS4_supporting, BP4.

NHS Central & South Genomic Laboratory Hub
Classification: Uncertain significance for Paediatric disorders. Last evaluated: 2026-08-06. Review status: criteria provided, single submitter. Criteria: ACMG Guidelines, 2015. Collection method: clinical testing. Allele origin: germline. Affected: yes. Not counted in ClinVar's aggregate classification.

Mendelics
Classification: Uncertain significance for Mitochondrial complex IV deficiency, nuclear type 1. Last evaluated: 2024-05-12. Review status: criteria provided, single submitter. Criteria: Mendelics Assertion Criteria 2019. Collection method: clinical testing. Allele origin: germline. Not counted in ClinVar's aggregate classification.

GeneReviews
No classification provided. Condition: Mitochondrial non-syndromic sensorineural hearing loss. Review status: no classification provided. Collection method: literature only. Allele origin: maternal. Not counted in ClinVar's aggregate classification.

Literature cited by the submitters: PubMed 20722495 (cited by GeneReviews); PubMed 20301595 (cited by GeneReviews).

NC_012920.1(MT-TS1):m.7462C>T

Gene: MT-TS1 (mitochondrially encoded tRNA serine 1 (UCN); minus strand).
Variant type: single nucleotide variant.
Genome position: chrM-7462-C-T.
Identifiers: ClinVar variation 631470 (VCV000631470.6), dbSNP rs1569484151, ClinGen allele CA913177107.